The following is an entry in ClinVar:

ClinVar aggregate classification (germline): Uncertain significance (1 of 4 stars; one submission).

Allele frequency attached by ClinVar (database versions not stated): TOPMed below 0.00001; gnomAD exomes 0.00003.
gnomAD v4.1: 35 of 1,470,492 alleles (0.0024%); highest among the groups gnomAD compares: Non-Finnish European, 0.0031%; no homozygotes.

Submission:

Labcorp Genetics (formerly Invitae), Labcorp
Classification: Uncertain significance. Last evaluated: 2021-12-02. Review status: criteria provided, single submitter. Criteria: Invitae Variant Classification Sherloc (09022015). Collection method: clinical testing. Allele origin: germline.
Comment: This sequence change replaces alanine, which is neutral and non-polar, with proline, which is neutral and non-polar, at codon 71 of the DEAF1 protein (p.Ala71Pro). This variant is present in population databases (rs778253261, gnomAD 0.001%). This variant has not been reported in the literature in individuals affected with DEAF1-related conditions. Algorithms developed to predict the effect of missense changes on protein structure and function are either unavailable or do not agree on the potential impact of this missense change (SIFT: "Deleterious"; PolyPhen-2: "Probably Damaging"; Align-GVGD: "Class C0"). In summary, the available evidence is currently insufficient to determine the role of this variant in disease. Therefore, it has been classified as a Variant of Uncertain Significance.

NM_021008.4(DEAF1):c.211G>C (p.Ala71Pro)

Gene: DEAF1 (DEAF1 transcription factor; minus strand). Cytogenetic location: 11p15.5.
Variant type: single nucleotide variant.
Coding change: c.211G>C on transcript NM_021008.4 (MANE Select); coding-DNA position 211, G replaced by C.
Protein change: p.Ala71Pro; replaces alanine 71 with proline.
Molecular consequence: missense variant. On other transcripts: intron variant (1).
Genome position (GRCh38, 1-based): chr11:694,837, C>G on the plus strand (G>C on the coding strand, the complement: DEAF1 is on the minus strand). VCF-style: chr11-694837-C-G. GRCh37 (hg19) VCF-style: chr11-694837-C-G.
Other names: c.211G>C, p.Ala71Pro (NM_001293634.2); c.-437-3239G>C (NM_001367390.1); short protein forms A71P.
Identifiers: ClinVar variation 1505467 (VCV001505467.8), dbSNP rs778253261, ClinGen allele CA5786629.